The following is an entry in ClinVar:

ClinVar aggregate classification (germline): Uncertain significance (1 of 4 stars; one submission).

Allele frequency attached by ClinVar (database versions not stated): TOPMed 0.00001.

Submission:

GeneDx
Classification: Uncertain significance. Last evaluated: 2017-08-04. Review status: criteria provided, single submitter. Criteria: GeneDx Variant Classification (06012015). Collection method: clinical testing. Allele origin: germline. Affected: yes.
Comment: The c.2204+1G>T variant in the MARS gene has not been reported previously as a pathogenic variant nor as a benign variant, to our knowledge. This splice site variant destroys the canonical splice donor site in intron 17. This splice site variant is predicted to cause abnormal gene splicing resulting in an in-frame protein product with an abnormal message. However, in the absence of RNA/functional studies, the actual effect of c.2204+1G>T in this individual is unknown. The c.2204+1G>T variant is not observed in large population cohorts (Lek et al., 2016; 1000 Genomes Consortium et al., 2015; Exome Variant Server). We interpret c.2204+1G>T as a variant of uncertain significance.

NM_004990.4(MARS1):c.2204+1G>T

Gene: MARS1 (methionyl-tRNA synthetase 1; plus strand). Cytogenetic location: 12q13.3.
Variant type: single nucleotide variant.
Coding change: c.2204+1G>T on transcript NM_004990.4 (MANE Select); the canonical splice donor site of the intron after coding-DNA position 2204, G replaced by T.
Molecular consequence: splice donor variant.
Genome position (GRCh38, 1-based): chr12:57,515,059, G>T. VCF-style: chr12-57515059-G-T. GRCh37 (hg19) VCF-style: chr12-57908842-G-T.
Identifiers: ClinVar variation 451212 (VCV000451212.2), dbSNP rs1555168622, ClinGen allele CA385465798.
Genomic context (GRCh38, chr12:57,515,059, plus strand): 5'-CAACCAATATATTCAGGTGAATGAGCCCTGGAAGCGGATTAAAGGCAGTGAGGCTGACAG[G>T]TAGGTAAGCGGGGAGGGTTGGCTAAAGGCATAAAGTGGCTTGTAAGCTGTATCCTCCTGG-3'